The following is an entry in ClinVar:

ClinVar aggregate classification (germline): Uncertain significance. Review status: criteria provided, multiple submitters, no conflicts (2 of 4 stars). 5 submissions from 5 submitters: Uncertain significance (5). Last evaluated 2024-12-04.

Conditions:
Inborn genetic diseases. Identifiers: MedGen C0950123, MeSH D030342.
Oculotrichoanal syndrome (MOTA). Also called: MARLES SYNDROME; Manitoba Oculotrichoanal (MOTA) Syndrome. Identifiers: Orphanet 2717, MedGen C1855425, MONDO:0009560, OMIM 248450.
Trigonocephaly 2 (TRIGNO2). Identifiers: Orphanet 3366, MedGen C3280974, MONDO:0013774, OMIM 614485.
BNAR syndrome. Also called: Bifid Nose With or Without Anorectal and Renal Anomalies (BNAR) Syndrome. Identifiers: Orphanet 217266, MedGen C2750433, MONDO:0012165, OMIM 608980.

Allele frequency attached by ClinVar (database versions not stated): 1000 Genomes Project 30x 0.00016; gnomAD 0.00004; gnomAD exomes below 0.00001 and 0.00002; 1000 Genomes Project 0.00020; ExAC 0.00004; TOPMed 0.00008.
gnomAD v4.1: 11 of 1,605,200 alleles (0.00069%); highest among the groups gnomAD compares: Admixed American, 0.0068%; no homozygotes.

Submissions (5):

GeneDx
Classification: Uncertain significance. Last evaluated: 2024-12-04. Review status: criteria provided, single submitter. Criteria: GeneDx Variant Classification Process June 2021. Collection method: clinical testing. Allele origin: germline. Affected: yes.
Comment: In silico analysis indicates that this missense variant does not alter protein structure/function; Has not been previously published as pathogenic or benign to our knowledge

Ambry Genetics
Classification: Uncertain significance for Inborn genetic diseases. Last evaluated: 2023-11-03. Review status: criteria provided, single submitter. Criteria: Ambry Variant Classification Scheme 2023. Collection method: clinical testing. Allele origin: germline.

Labcorp Genetics (formerly Invitae), Labcorp
Classification: Uncertain significance. Last evaluated: 2022-07-12. Review status: criteria provided, single submitter. Criteria: Invitae Variant Classification Sherloc (09022015). Collection method: clinical testing. Allele origin: germline.
Comment: This sequence change replaces isoleucine, which is neutral and non-polar, with valine, which is neutral and non-polar, at codon 1302 of the FREM1 protein (p.Ile1302Val). In summary, the available evidence is currently insufficient to determine the role of this variant in disease. Therefore, it has been classified as a Variant of Uncertain Significance. Algorithms developed to predict the effect of missense changes on protein structure and function output the following: SIFT: "Tolerated"; PolyPhen-2: "Benign"; Align-GVGD: "Class C0". The valine amino acid residue is found in multiple mammalian species, which suggests that this missense change does not adversely affect protein function. ClinVar contains an entry for this variant (Variation ID: 366126). This variant has not been reported in the literature in individuals affected with FREM1-related conditions. This variant is present in population databases (rs577186728, gnomAD 0.01%).

Fulgent Genetics
Classification: Uncertain significance for Oculotrichoanal syndrome; BNAR syndrome; Trigonocephaly 2. Last evaluated: 2022-02-25. Review status: criteria provided, single submitter. Criteria: ACMG Guidelines, 2015. Collection method: clinical testing. Allele origin: unknown.

Illumina Laboratory Services, Illumina
Classification: Uncertain significance for Oculotrichoanal syndrome. Last evaluated: 2018-01-13. Review status: criteria provided, single submitter. Criteria: ICSL Variant Classification Criteria 13 December 2019. Collection method: clinical testing. Allele origin: germline.

NM_001379081.2(FREM1):c.3904A>G (p.Ile1302Val)

Gene: FREM1 (FRAS1 related extracellular matrix 1; minus strand). Cytogenetic location: 9p22.3.
Variant type: single nucleotide variant.
Coding change: c.3904A>G on transcript NM_001379081.2 (MANE Select); coding-DNA position 3904, A replaced by G.
Protein change: p.Ile1302Val; replaces isoleucine 1302 with valine.
Molecular consequence: missense variant. On other transcripts: non-coding transcript variant (2).
Genome position (GRCh38, 1-based): chr9:14,792,820, T>C on the plus strand (A>G on the coding strand, the complement: FREM1 is on the minus strand). VCF-style: chr9-14792820-T-C. GRCh37 (hg19) VCF-style: chr9-14792818-T-C.
Other names: c.3904A>G, p.Ile1302Val (NM_144966.7); short protein forms I1302V.
Identifiers: ClinVar variation 366126 (VCV000366126.11), dbSNP rs577186728, ClinGen allele CA4990373.